The following is an entry in ClinVar:

NM_001354735.1(PFKM):c.205+10G>A

Gene: PFKM (phosphofructokinase, muscle; plus strand). Cytogenetic location: 12q13.11.
Variant type: single nucleotide variant.
Coding change: c.205+10G>A on transcript NM_001354735.1; 10 bases into the intron after coding-DNA position 205, G replaced by A.
Molecular consequence: intron variant.
Genome position (GRCh38, 1-based): chr12:48,108,204, G>A. VCF-style: chr12-48108204-G-A. GRCh37 (hg19) VCF-style: chr12-48501987-G-A.
Other names: c.-81+2785G>A (NM_001354741.2); c.-9+2785G>A (NM_001354742.2); c.-85+2785G>A (NM_001354747.2); c.-9+2394G>A (NM_001354743.2); c.205+10G>A (NM_001166686.2, NM_001439058.1, NM_001354736.1 and 3 more transcripts).
Identifiers: ClinVar variation 3048855 (VCV003048855.2), dbSNP rs371857406, ClinGen allele CA6536802.
Genomic context (GRCh38, chr12:48,108,204, plus strand): 5'-ATACTATGGATGATCCAGACACCGTGGGAAGCATACCTGTTTTCAAAACTGGTGAGGCAT[G>A]TGGGTCAACAGTGAGAAATGTTCAAAGGAATATGGGAAAGTGAAAGTTGTATGCATAGTA-3'

ClinVar aggregate classification (germline): Likely benign (0 of 4 stars; one submission).

Conditions:
PFKM-related disorder. Also called: PFKM-related condition.

Allele frequency attached by ClinVar (database versions not stated): gnomAD exomes 0.00001; ExAC 0.00006; ESP Exome Variant Server 0.00019; gnomAD 0.00007; TOPMed 0.00012.
gnomAD v4.1: 19 of 1,596,730 alleles (0.0012%); highest among the groups gnomAD compares: African/African-American, 0.023%; no homozygotes.

Submission:

PreventionGenetics, part of Exact Sciences
Classification: Likely benign for PFKM-related condition. Last evaluated: 2019-11-25. Review status: no assertion criteria provided. Collection method: clinical testing. Allele origin: germline.
Comment: This variant is classified as likely benign based on ACMG/AMP sequence variant interpretation guidelines (Richards et al. 2015 PMID: 25741868, with internal and published modifications).